The following is an entry in ClinVar:

NM_001184880.2(PCDH19):c.3070_3073dup (p.His1025fs)

Gene: PCDH19 (protocadherin 19; minus strand). Cytogenetic location: Xq22.1.
Variant type: Duplication.
Coding change: c.3070_3073dup on transcript NM_001184880.2 (MANE Select); coding-DNA positions 3070 to 3073, 4 bases duplicated (GACC; older notation c.3070_3073dupGACC).
Protein change: p.His1025fs; shifts the reading frame from histidine 1025.
Molecular consequence: frameshift variant.
Genome position (GRCh38, 1-based): chrX:100,296,651-100,296,654, GGTC duplicated on the plus strand (GACC on the coding strand, the reverse complement: PCDH19 is on the minus strand); duplicating any 4 consecutive bases within chrX:100,296,651-100,296,655 gives the same sequence; the c. name uses the placement nearest the transcript's 3' end. VCF-style (leftmost placement, unchanged base first): chrX-100296650-T-TGGTC. GRCh37 (hg19) VCF-style: chrX-99551648-T-TGGTC.
Other names: c.2929_2932dup, p.His978fs (NM_001105243.2); c.2926_2929dup, p.His977fs (NM_020766.3); short protein forms H1025fs, H978fs, H977fs.
Identifiers: ClinVar variation 933136 (VCV000933136.2), dbSNP rs1924619294, ClinGen allele CA1139667709.

ClinVar aggregate classification (germline): Pathogenic (1 of 4 stars; one submission).

Conditions:
Seizure. Also called: Seizures. Identifiers: MedGen C0036572, HP:0001250.

Submission:

Cytogénomique, Hospices Civils de Lyon
Classification: Pathogenic for Seizure. Last evaluated: 2020-06-26. Review status: criteria provided, single submitter. Criteria: ACMG Guidelines, 2015. Collection method: clinical testing. Allele origin: paternal. Inheritance: X-linked inheritance. Affected: yes. Observed: 1 variant allele, 1 heterozygote.
Comment: truncating variant absent from public databases.